The following is an entry in ClinVar:

ClinVar aggregate classification (germline): Pathogenic (1 of 4 stars; one submission).

Conditions:
Autosomal dominant epilepsy.

Submission:

Women's Health and Genetics/Laboratory Corporation of America, LabCorp
Classification: Pathogenic. Last evaluated: 2023-11-22. Review status: criteria provided, single submitter. Criteria: LabCorp Variant Classification Summary - May 2015. Collection method: clinical testing. Allele origin: germline.
Comment: Variant summary: SCN1A c.900T>A (p.Tyr300X) results in a premature termination codon and is expected to cause absence of the protein due to nonsense mediated decay, a commonly known mechanism for disease. The variant was absent in 249978 control chromosomes (gnomAD). To our knowledge, no occurrence of c.900T>A in individuals affected with SCN1A-Related Seizure Disorders and no experimental evidence demonstrating its impact on protein function have been reported. No submitters have cited clinical-significance assessments for this variant to ClinVar after 2014. Based on the evidence outlined above, the variant was classified as pathogenic.

NM_001165963.4(SCN1A):c.900T>A (p.Tyr300Ter)

Gene: SCN1A (sodium voltage-gated channel alpha subunit 1; minus strand). Cytogenetic location: 2q24.3.
Variant type: single nucleotide variant.
Coding change: c.900T>A on transcript NM_001165963.4 (MANE Select); coding-DNA position 900, T replaced by A.
Protein change: p.Tyr300Ter; replaces tyrosine 300 with a stop codon.
Molecular consequence: nonsense. On other transcripts: 5 prime UTR variant (1), non-coding transcript variant (1).
Genome position (GRCh38, 1-based): chr2:166,051,783, A>T on the plus strand (T>A on the coding strand, the complement: SCN1A is on the minus strand). VCF-style: chr2-166051783-A-T. GRCh37 (hg19) VCF-style: chr2-166908293-A-T.
Other names: c.900T>A, p.Tyr300Ter (NM_001353948.2, NM_001353949.2, NM_001353950.2 and 10 more transcripts); c.-1526T>A (NM_001353961.2); short protein forms Y300*.
Identifiers: ClinVar variation 2682248 (VCV002682248.1), dbSNP rs2468221702, ClinGen allele CA349072705.